The following is an entry in ClinVar:

NM_006912.6(RIT1):c.602A>G (p.Asn201Ser)

Gene: RIT1 (Ras like without CAAX 1; minus strand). Cytogenetic location: 1q22.
Variant type: single nucleotide variant.
Coding change: c.602A>G on transcript NM_006912.6 (MANE Select); coding-DNA position 602, A replaced by G.
Protein change: p.Asn201Ser; replaces asparagine 201 with serine.
Molecular consequence: missense variant.
Genome position (GRCh38, 1-based): chr1:155,900,446, T>C on the plus strand (A>G on the coding strand, the complement: RIT1 is on the minus strand). VCF-style: chr1-155900446-T-C. GRCh37 (hg19) VCF-style: chr1-155870237-T-C.
Other names: c.494A>G, p.Asn165Ser (NM_001256820.2); c.653A>G, p.Asn218Ser (NM_001256821.2); short protein forms N218S, N201S, N165S.
Identifiers: ClinVar variation 1751158 (VCV001751158.10), dbSNP rs372170139, ClinGen allele CA1151764.

ClinVar aggregate classification (germline): Conflicting classifications of pathogenicity. Review status: criteria provided, conflicting classifications (1 of 4 stars). 3 submissions from 3 submitters: Uncertain significance (2); Likely benign (1). Last evaluated 2026-01-06.

Conditions:
Noonan syndrome 8 (NS8). Identifiers: Orphanet 648, MedGen C3809233, MONDO:0014143, OMIM 615355.
Cardiovascular phenotype. Identifiers: MedGen CN230736.

Allele frequency attached by ClinVar (database versions not stated): ExAC 0.00001; gnomAD 0.00001; gnomAD exomes 0.00001; TOPMed 0.00001; ESP Exome Variant Server 0.00008.
gnomAD v4.1: 17 of 1,613,918 alleles (0.0011%); highest among the groups gnomAD compares: Non-Finnish European, 0.0013%; no homozygotes.

Submissions (3):

Labcorp Genetics (formerly Invitae), Labcorp
Classification: Uncertain significance for Noonan syndrome 8. Last evaluated: 2026-01-06. Review status: criteria provided, single submitter. Criteria: Invitae Variant Classification Sherloc (09022015). Collection method: clinical testing. Allele origin: germline.
Comment: This sequence change replaces asparagine, which is neutral and polar, with serine, which is neutral and polar, at codon 201 of the RIT1 protein (p.Asn201Ser). This variant is present in population databases (rs372170139, gnomAD 0.002%). This variant has not been reported in the literature in individuals affected with RIT1-related conditions. ClinVar contains an entry for this variant (Variation ID: 1751158). Invitae Evidence Modeling of protein sequence and biophysical properties (such as structural, functional, and spatial information, amino acid conservation, physicochemical variation, residue mobility, and thermodynamic stability) indicates that this missense variant is not expected to disrupt RIT1 protein function with a negative predictive value of 95%. In summary, the available evidence is currently insufficient to determine the role of this variant in disease. Therefore, it has been classified as a Variant of Uncertain Significance.

Ambry Genetics
Classification: Likely benign for Cardiovascular phenotype. Last evaluated: 2022-06-06. Review status: criteria provided, single submitter. Criteria: Ambry Variant Classification Scheme 2023. Collection method: clinical testing. Allele origin: germline.

Revvity Omics, Revvity
Classification: Uncertain significance for Noonan syndrome 8. Last evaluated: 2022-03-22. Review status: criteria provided, single submitter. Criteria: ACMG Guidelines, 2015. Collection method: clinical testing. Allele origin: germline.